The following is an entry in ClinVar:

ClinVar aggregate classification (germline): Uncertain significance. Review status: criteria provided, multiple submitters, no conflicts (2 of 4 stars). 3 submissions from 3 submitters: Uncertain significance (3). Last evaluated 2024-04-25.

Conditions:
BAP1-related tumor predisposition syndrome (TPDS1). Also called: BAP1 tumor predisposition syndrome; Tumor susceptibility linked to germline BAP1 mutations; TUMOR PREDISPOSITION SYNDROME 1; COMMON Syndrome. Identifiers: Orphanet 289539, MedGen C3280492, MONDO:0013692, OMIM 614327.
Hereditary cancer-predisposing syndrome. Also called: Neoplastic Syndromes, Hereditary; Tumor predisposition; Hereditary Cancer Syndrome; Hereditary neoplastic syndrome. Identifiers: Orphanet 140162, MedGen C0027672, MeSH D009386, MONDO:0015356.

Allele frequency attached by ClinVar (database versions not stated): gnomAD 0.00001; TOPMed 0.00001.
gnomAD v4.1: 3 of 1,614,128 alleles (0.00019%); highest among the groups gnomAD compares: Non-Finnish European, 0.00025%; no homozygotes.

Submissions (3):

Labcorp Genetics (formerly Invitae), Labcorp
Classification: Uncertain significance for BAP1-related tumor predisposition syndrome. Last evaluated: 2024-04-25. Review status: criteria provided, single submitter. Criteria: Invitae Variant Classification Sherloc (09022015). Collection method: clinical testing. Allele origin: germline.
Comment: This sequence change replaces alanine, which is neutral and non-polar, with proline, which is neutral and non-polar, at codon 415 of the BAP1 protein (p.Ala415Pro). This variant is not present in population databases (gnomAD no frequency). This variant has not been reported in the literature in individuals affected with BAP1-related conditions. ClinVar contains an entry for this variant (Variation ID: 412417). Advanced modeling of protein sequence and biophysical properties (such as structural, functional, and spatial information, amino acid conservation, physicochemical variation, residue mobility, and thermodynamic stability) performed at Invitae indicates that this missense variant is not expected to disrupt BAP1 protein function with a negative predictive value of 80%. In summary, the available evidence is currently insufficient to determine the role of this variant in disease. Therefore, it has been classified as a Variant of Uncertain Significance.

Ambry Genetics
Classification: Uncertain significance for Hereditary cancer-predisposing syndrome. Last evaluated: 2024-04-09. Review status: criteria provided, single submitter. Criteria: Ambry Variant Classification Scheme 2023. Collection method: clinical testing. Allele origin: germline.
Comment: The p.A415P variant (also known as c.1243G>C), located in coding exon 12 of the BAP1 gene, results from a G to C substitution at nucleotide position 1243. The alanine at codon 415 is replaced by proline, an amino acid with highly similar properties. This amino acid position is highly conserved in available vertebrate species. In addition, the in silico prediction for this alteration is inconclusive. Since supporting evidence is limited at this time, the clinical significance of this alteration remains unclear.

St. Jude Molecular Pathology, St. Jude Children's Research Hospital
Classification: Uncertain significance for BAP1-related tumor predisposition syndrome. Last evaluated: 2022-08-09. Review status: criteria provided, single submitter. Criteria: St. Jude Assertion Criteria 2020. Collection method: clinical testing. Allele origin: germline.
Comment: The BAP1 c.1243G>C (p.Ala415Pro) missense change is absent in gnomAD v2.1.1. The in silico tool REVEL predicts a benign effect on protein function, but to our knowledge this prediction has not been confirmed by functional studies. To our knowledge, this variant has not been reported in the literature in individuals with BAP1-related tumor predisposition syndrome. In summary, the evidence currently available is insufficient to determine the clinical significance of this variant. It has therefore been classified as of uncertain significance.

NM_004656.4(BAP1):c.1243G>C (p.Ala415Pro)

Gene: BAP1 (BRCA1 associated deubiquitinase 1; minus strand). Cytogenetic location: 3p21.1.
Variant type: single nucleotide variant.
Coding change: c.1243G>C on transcript NM_004656.4 (MANE Select); coding-DNA position 1243, G replaced by C.
Protein change: p.Ala415Pro; replaces alanine 415 with proline.
Molecular consequence: missense variant.
Genome position (GRCh38, 1-based): chr3:52,404,460, C>G on the plus strand (G>C on the coding strand, the complement: BAP1 is on the minus strand). VCF-style: chr3-52404460-C-G. GRCh37 (hg19) VCF-style: chr3-52438476-C-G.
Other names: c.1243G>C (LRG_529t1); short protein forms A415P.
Identifiers: ClinVar variation 412417 (VCV000412417.11), dbSNP rs773097896, ClinGen allele CA16611532.